The following is an entry in ClinVar:

ClinVar aggregate classification (germline): Conflicting classifications of pathogenicity. Review status: criteria provided, conflicting classifications (1 of 4 stars). 3 submissions from 3 submitters: Pathogenic (1); Likely pathogenic (1); Uncertain significance (1). Last evaluated 2026-09-23.

Conditions:
Charcot-Marie-Tooth disease axonal type 2O. Also called: CHARCOT-MARIE-TOOTH NEUROPATHY, AXONAL, TYPE 2O; CHARCOT-MARIE-TOOTH DISEASE, AXONAL, AUTOSOMAL DOMINANT, TYPE 2O; Charcot-Marie-Tooth Neuropathy Type 2O; Charcot-Marie-Tooth disease, axonal, type 20. Identifiers: Orphanet 284232, MedGen C3280220, MONDO:0013644, OMIM 614228.
Autosomal dominant childhood-onset proximal spinal muscular atrophy without contractures. Also called: KUGELBERG-WELANDER SYNDROME, AUTOSOMAL DOMINANT; SPINAL MUSCULAR ATROPHY, JUVENILE, PROXIMAL, AUTOSOMAL DOMINANT; Spinal muscular atrophy, lower extremity-predominant 1, AD; SPINAL MUSCULAR ATROPHY, CHILDHOOD, PROXIMAL, AUTOSOMAL DOMINANT. Identifiers: Orphanet 209341, Orphanet 363447, MedGen C5780022, MONDO:0008026, OMIM 158600.

Submissions (3):

GeneDx
Classification: Pathogenic. Last evaluated: 2026-09-23. Review status: criteria provided, single submitter. Criteria: GeneDx Variant Classification Process June 2021. Collection method: clinical testing. Allele origin: germline.
Comment: In-frame deletion of 4 amino acid(s) in a non-repeat region; Not observed at significant frequency in large population cohorts (gnomAD); In silico analysis supports a deleterious effect on protein structure/function; Has not been previously published as pathogenic or benign to our knowledge; This variant is associated with the following publications: (PMID: 25609763, 26100331, 25512093)

Labcorp Genetics (formerly Invitae), Labcorp
Classification: Uncertain significance for Charcot-Marie-Tooth disease axonal type 2O. Last evaluated: 2022-06-04. Review status: criteria provided, single submitter. Criteria: Invitae Variant Classification Sherloc (09022015). Collection method: clinical testing. Allele origin: germline.
Comment: This variant is not present in population databases (gnomAD no frequency). This variant, c.161_172del, results in the deletion of 4 amino acid(s) of the DYNC1H1 protein (p.Ala54_Glu57del), but otherwise preserves the integrity of the reading frame. This variant has not been reported in the literature in individuals affected with DYNC1H1-related conditions. In summary, the available evidence is currently insufficient to determine the role of this variant in disease. Therefore, it has been classified as a Variant of Uncertain Significance. Experimental studies and prediction algorithms are not available or were not evaluated, and the functional significance of this variant is currently unknown.

MGZ Medical Genetics Center
Classification: Likely pathogenic for Autosomal dominant childhood-onset proximal spinal muscular atrophy without contractures. Last evaluated: 2021-08-25. Review status: criteria provided, single submitter. Criteria: ACMG Guidelines, 2015. Collection method: clinical testing. Allele origin: germline. Affected: yes. Observed: 1 variant allele.
Comment: ACMG criteria applied: PS2_MOD, PM4, PM2_SUP, PP2

NM_001376.5(DYNC1H1):c.161_172del (p.50AALE[1])

Gene: DYNC1H1 (dynein cytoplasmic 1 heavy chain 1; plus strand). Cytogenetic location: 14q32.31.
Variant type: Deletion.
Coding change: c.161_172del on transcript NM_001376.5 (MANE Select); coding-DNA positions 161 to 172, 12 bases deleted (CGGCGCTGGAGG).
Protein change: p.50AALE[1].
Molecular consequence: inframe deletion.
Genome position (GRCh38, 1-based): chr14:101,964,852-101,964,863, CGGCGCTGGAGG deleted; deleting any 12 consecutive bases within chr14:101,964,842-101,964,863 gives the same sequence; the c. name uses the placement nearest the transcript's 3' end. VCF-style (leftmost placement, unchanged base first): chr14-101964841-CGCGCTGGAGGCG-C. GRCh37 (hg19) VCF-style: chr14-102431178-CGCGCTGGAGGCG-C.
Other names: c.161_172del (NM_001376.4).
Identifiers: ClinVar variation 1709833 (VCV001709833.10), dbSNP rs768423968, ClinGen allele CA2580088373.
Genomic context (GRCh38, chr14:101,964,841, plus strand): 5'-GCAGAAGCACCTGCGCAAGCTGGTGCCGCTGCTGCTGGAGGACGGCGGCGAGGCGCCGGC[CGCGCTGGAGGCG>C]GCGCTGGAGGAGAAGAGCGCCCTGGAGCAGATGCGCAAGTTCCTTTCGGACCCGCAGGTC-3'